The following is an entry in ClinVar:

ClinVar aggregate classification (germline): Benign/Likely benign. Review status: criteria provided, multiple submitters, no conflicts (2 of 4 stars). 7 submissions from 7 submitters: Benign (5); Likely benign (1). 1 of the submissions does not count toward it. Last evaluated 2025-09-15.

Conditions:
Fanconi anemia complementation group P. Also called: SLX4-Related Fanconi Anemia. Identifiers: Orphanet 84, MedGen C3469542, MONDO:0013499, OMIM 613951.

Allele frequency attached by ClinVar (database versions not stated): gnomAD exomes 0.06647 and 0.06808; 1000 Genomes Project 0.07248; ExAC 0.07253; 1000 Genomes Project 30x 0.07589; gnomAD 0.08106 and 0.08334; ESP Exome Variant Server 0.08211; TOPMed 0.08272.

Submissions (7):

Mayo Clinic Laboratories, Mayo Clinic
Classification: Benign. Last evaluated: 2025-09-15. Review status: criteria provided, single submitter. Criteria: ACMG Guidelines, 2015. Collection method: clinical testing. Allele origin: germline. Observed: 2 variant alleles.

Blueprint Genetics
Classification: Likely benign. Last evaluated: 2024-11-27. Review status: criteria provided, single submitter. Criteria: ACMG Guidelines, 2015. Collection method: clinical testing. Allele origin: germline.

GeneDx
Classification: Benign. Last evaluated: 2019-02-24. Review status: criteria provided, single submitter. Criteria: GeneDx Variant Classification Process June 2021. Collection method: clinical testing. Allele origin: germline. Affected: yes.

Illumina Laboratory Services, Illumina
Classification: Benign for Fanconi anemia complementation group P. Last evaluated: 2018-01-13. Review status: criteria provided, single submitter. Criteria: ICSL Variant Classification Criteria 13 December 2019. Collection method: clinical testing. Allele origin: germline.
Comment: This variant was observed in the ICSL laboratory as part of a predisposition screen in an ostensibly healthy population. It had not been previously curated by ICSL or reported in the Human Gene Mutation Database (HGMD: prior to June 1st, 2018), and was therefore a candidate for classification through an automated scoring system. Utilizing variant allele frequency, disease prevalence and penetrance estimates, and inheritance mode, an automated score was calculated to assess if this variant is too frequent to cause the disease. Based on the score and internal cut-off values, a variant classified as benign is not then subjected to further curation. The score for this variant resulted in a classification of benign for this disease.

Breakthrough Genomics
Classification: Benign. Review status: criteria provided, single submitter. Criteria: ACMG Guidelines, 2015. Collection method: not provided. Allele origin: germline. Inheritance: Autosomal recessive inheritance. Affected: yes.

PreventionGenetics, part of Exact Sciences
Classification: Benign. Review status: criteria provided, single submitter. Criteria: ACMG Guidelines, 2015. Collection method: clinical testing. Allele origin: germline.

Leiden Open Variation Database
Classification: Likely benign. Last evaluated: 2012-08-31. Review status: no assertion criteria provided. Collection method: curation. Allele origin: germline. Affected: yes. Not counted in ClinVar's aggregate classification.
Comment: Curator: Arleen D. Auerbach. Submitter to LOVD: Janine Bakker.

Literature cited by the submitters: PubMed 22911665 (cited by Leiden Open Variation Database).

NM_032444.4(SLX4):c.*8A>G

Gene: SLX4 (SLX4 structure-specific endonuclease subunit; minus strand). Cytogenetic location: 16p13.3.
Variant type: single nucleotide variant.
Coding change: c.*8A>G on transcript NM_032444.4 (MANE Select); 8 bases downstream of the stop codon, A replaced by G.
Molecular consequence: 3 prime UTR variant.
Genome position (GRCh38, 1-based): chr16:3,582,334, T>C on the plus strand (A>G on the coding strand, the complement: SLX4 is on the minus strand). VCF-style: chr16-3582334-T-C. GRCh37 (hg19) VCF-style: chr16-3632335-T-C.
Other names: c.*8A>G (LRG_503t1).
Identifiers: ClinVar variation 262029 (VCV000262029.13), dbSNP rs3751839, ClinGen allele CA7865282.